The following is an entry in ClinVar:

NM_000310.4(PPT1):c.920G>T (p.Ter307Leu)

Gene: PPT1 (palmitoyl-protein thioesterase 1; minus strand). Cytogenetic location: 1p34.2.
Variant type: single nucleotide variant.
Coding change: c.920G>T on transcript NM_000310.4 (MANE Select); coding-DNA position 920, G replaced by T.
Protein change: p.Ter307Leu.
Molecular consequence: stop lost.
Genome position (GRCh38, 1-based): chr1:40,074,062, C>A on the plus strand (G>T on the coding strand, the complement: PPT1 is on the minus strand). VCF-style: chr1-40074062-C-A. GRCh37 (hg19) VCF-style: chr1-40539734-C-A.
Other names: c.611G>T, p.Ter204Leu (NM_001142604.2); c.848G>T, p.Ter283Leu (NM_001363695.2).
Identifiers: ClinVar variation 2501065 (VCV002501065.1), dbSNP rs2523620158, ClinGen allele CA339845289.

ClinVar aggregate classification (germline): Uncertain significance (1 of 4 stars; one submission).

Submission:

Women's Health and Genetics/Laboratory Corporation of America, LabCorp
Classification: Uncertain significance. Last evaluated: 2023-03-20. Review status: criteria provided, single submitter. Criteria: LabCorp Variant Classification Summary - May 2015. Collection method: clinical testing. Allele origin: germline.
Comment: Variant summary: PPT1 c.920G>T (p.X307LeuextX7) changes the termination codon and is predicted to lead to an extended protein with seven additional amino acids added to the normal C-terminus. The variant was absent in 251390 control chromosomes. The available data on variant occurrences in the general population are insufficient to allow any conclusion about variant significance. To our knowledge, no occurrence of c.920G>T in individuals affected with Neuronal Ceroid-Lipofuscinosis (Batten Disease) and no experimental evidence demonstrating its impact on protein function have been reported. No clinical diagnostic laboratories have submitted clinical-significance assessments for this variant to ClinVar after 2014. Based on the evidence outlined above, the variant was classified as uncertain significance.